The following is an entry in ClinVar:

ClinVar aggregate classification (germline): Pathogenic (0 of 4 stars; one submission).

Conditions:
Leukocyte adhesion deficiency 1 (LAD1). Also called: LEUKOCYTE ADHESION DEFICIENCY, TYPE I; LAD 1; Lymphocyte function-associated antigen 1 immunodeficiency; LFA 1 immunodeficiency. Identifiers: Orphanet 2968, Orphanet 99842, MedGen C0398738, MONDO:0007293, OMIM 116920.

Submission:

Koker Lab, University of Erciyes Medical School
Classification: Pathogenic for Leukocyte adhesion deficiency 1. Last evaluated: 2019-03-20. Review status: no assertion criteria provided. Collection method: clinical testing. Allele origin: germline. Inheritance: Autosomal recessive inheritance. Affected: yes. Observed: 1 variant allele, 1 homozygote.
Comment: We showed this variant on four Syrian related patients, all of them presented as LAD-1 and by flow cytometry loss of CD18 (encoded by ITGB2) is shown but even though the mutation is damage causing and certainly complete lack of integrin molecules ; "Nezihe K. PUS FORMATION WITHIN LAD : AN UNCONVENTIONAL PRESENTATION OF A LAD TYPE I, Poster presented at ESID 2019 Annual Meeting, no:625 18-21 September 2019, Brussels"

NM_000211.5(ITGB2):c.305_306del (p.Lys102fs)

Gene: ITGB2 (integrin subunit beta 2; minus strand). Cytogenetic location: 21q22.3.
Variant type: Deletion.
Coding change: c.305_306del on transcript NM_000211.5 (MANE Select); coding-DNA positions 305 to 306, 2 bases deleted (AA; older notation c.305_306delAA).
Protein change: p.Lys102fs; shifts the reading frame from lysine 102.
Molecular consequence: frameshift variant.
Genome position (GRCh38, 1-based): chr21:44,906,937-44,906,938, TT deleted on the plus strand (AA on the coding strand, the reverse complement: ITGB2 is on the minus strand); deleting any 2 consecutive bases within chr21:44,906,937-44,906,941 gives the same sequence; the c. name uses the placement nearest the transcript's 3' end. VCF-style (leftmost placement, unchanged base first): chr21-44906936-CTT-C. GRCh37 (hg19) VCF-style: chr21-46326851-CTT-C.
Other names: c.305_306delAA (NM_000211.5); c.305_306del, p.Lys102fs (NM_001127491.3); c.98_99del, p.Lys33fs (NM_001303238.2); short protein forms K102fs, K33fs.
Identifiers: ClinVar variation 1064458 (VCV001064458.3), dbSNP rs2146538658, ClinGen allele CA2499225985.